The following is an entry in ClinVar:

NM_000719.7(CACNA1C):c.2734C>A (p.Leu912Ile)

Gene: CACNA1C (calcium voltage-gated channel subunit alpha1 C; plus strand). Cytogenetic location: 12p13.33.
Variant type: single nucleotide variant.
Coding change: c.2734C>A on transcript NM_000719.7 (MANE Select); coding-DNA position 2734, C replaced by A.
Protein change: p.Leu912Ile; replaces leucine 912 with isoleucine.
Molecular consequence: missense variant.
Genome position (GRCh38, 1-based): chr12:2,595,944, C>A. VCF-style: chr12-2595944-C-A. GRCh37 (hg19) VCF-style: chr12-2705110-C-A.
Other names: c.2734C>A, p.Leu912Ile (NM_001129827.2, NM_001129829.2, NM_001129830.3 and 18 more transcripts); c.2725C>A, p.Leu909Ile (NM_001129844.2); short protein forms L912I, L909I.
Identifiers: ClinVar variation 191422 (VCV000191422.1), dbSNP rs786205264, ClinGen allele CA236597.

ClinVar aggregate classification (germline): Uncertain significance (1 of 4 stars; one submission).

Submission:

Biesecker Lab/Clinical Genomics Section, National Institutes of Health
Classification: Uncertain significance. Last evaluated: 2013-06-24. Review status: criteria provided, single submitter. Criteria: Ng et al. (Circ Cardiovasc Genet. 2013). Collection method: research. Allele origin: unknown. Observed: 1 variant allele. Study: ClinSeq.
Comment: The study set was not selected for affection status in relation to any cancer. Pathogenicity categories were based on literature curation. See Pubmed ID:23861362 for details.

Medical sequencing